The following is an entry in ClinVar:

NM_198525.3(KIF7):c.3713A>G (p.Asn1238Ser)

Gene: KIF7 (kinesin family member 7; minus strand). Cytogenetic location: 15q26.1.
Variant type: single nucleotide variant.
Coding change: c.3713A>G on transcript NM_198525.3 (MANE Select); coding-DNA position 3713, A replaced by G.
Protein change: p.Asn1238Ser; replaces asparagine 1238 with serine.
Molecular consequence: missense variant.
Genome position (GRCh38, 1-based): chr15:89,628,738, T>C on the plus strand (A>G on the coding strand, the complement: KIF7 is on the minus strand). VCF-style: chr15-89628738-T-C. GRCh37 (hg19) VCF-style: chr15-90171969-T-C.
Other names: short protein forms N1238S.
Identifiers: ClinVar variation 1314681 (VCV001314681.10), dbSNP rs371960047, ClinGen allele CA274563073.
Genomic context (GRCh38, chr15:89,628,738, plus strand): 5'-GCCCCCTCAGTGAGGGGGGACAGCCAGAGAAGCTCGGGTGCCAGGTGGAGCTCATCTTCA[T>C]TTCCAGGAGCCTGTCTGCCCTCCGAGCACAGGCTCCTCTTCTCCCCACCTGTCATGGAGA-3'
Protein context (NP_940927.2, residues 1228-1248): LCSEGRQAPG[Asn1238Ser]EDELHLAPEL

ClinVar aggregate classification (germline): Uncertain significance. Review status: criteria provided, multiple submitters, no conflicts (2 of 4 stars). 5 submissions from 5 submitters: Uncertain significance (5). Last evaluated 2024-04-23.

Conditions:
Acrocallosal syndrome (ACLS). Also called: Schinzel syndrome 1; Absence of corpus callosum with unusual facial appearance, mental deficiency, duplication of the halluces and polydactyly; HALLUX DUPLICATION, POSTAXIAL POLYDACTYLY, AND ABSENCE OF CORPUS CALLOSUM. Identifiers: Orphanet 36, MedGen C0796147, MONDO:0008708, OMIM 200990.
Inborn genetic diseases. Identifiers: MedGen C0950123, MeSH D030342.
Hydrolethalus syndrome 2 (HLS2). Identifiers: Orphanet 2189, MedGen C3279899, MONDO:0013585, OMIM 614120.
Multiple epiphyseal dysplasia, Al-Gazali type. Also called: Macrocephaly with multiple epiphyseal dysplasia and distinctive facies. Identifiers: Orphanet 166024, MedGen C1846722, MONDO:0011778, OMIM 607131.

Allele frequency attached by ClinVar (database versions not stated): gnomAD exomes 0.00001; gnomAD 0.00005 and 0.00006; TOPMed 0.00007; ESP Exome Variant Server 0.00008.
gnomAD v4.1: 17 of 1,612,672 alleles (0.0011%); highest among the groups gnomAD compares: African/African-American, 0.021%; no homozygotes.

Submissions (5):

Ambry Genetics
Classification: Uncertain significance for Inborn genetic diseases. Last evaluated: 2024-04-23. Review status: criteria provided, single submitter. Criteria: Ambry Variant Classification Scheme 2023. Collection method: clinical testing. Allele origin: germline.

Fulgent Genetics
Classification: Uncertain significance for Acrocallosal syndrome; Multiple epiphyseal dysplasia, Al-Gazali type; Hydrolethalus syndrome 2. Last evaluated: 2024-02-20. Review status: criteria provided, single submitter. Criteria: ACMG Guidelines, 2015. Collection method: clinical testing. Allele origin: germline.

GeneDx
Classification: Uncertain significance. Last evaluated: 2023-12-20. Review status: criteria provided, single submitter. Criteria: GeneDx Variant Classification Process June 2021. Collection method: clinical testing. Allele origin: germline. Affected: yes.
Comment: In silico analysis supports that this missense variant does not alter protein structure/function; Has not been previously published as pathogenic or benign to our knowledge

Blueprint Genetics
Classification: Uncertain significance. Last evaluated: 2022-11-28. Review status: criteria provided, single submitter. Criteria: ACMG Guidelines, 2015. Collection method: clinical testing. Allele origin: germline.

Labcorp Genetics (formerly Invitae), Labcorp
Classification: Uncertain significance for Acrocallosal syndrome. Last evaluated: 2022-03-28. Review status: criteria provided, single submitter. Criteria: Invitae Variant Classification Sherloc (09022015). Collection method: clinical testing. Allele origin: germline.
Comment: This sequence change replaces asparagine, which is neutral and polar, with serine, which is neutral and polar, at codon 1238 of the KIF7 protein (p.Asn1238Ser). This variant is present in population databases (rs371960047, gnomAD 0.03%). This variant has not been reported in the literature in individuals affected with KIF7-related conditions. ClinVar contains an entry for this variant (Variation ID: 1314681). Algorithms developed to predict the effect of missense changes on protein structure and function output the following: SIFT: "Tolerated"; PolyPhen-2: "Benign"; Align-GVGD: "Class C0". The serine amino acid residue is found in multiple mammalian species, which suggests that this missense change does not adversely affect protein function. In summary, the available evidence is currently insufficient to determine the role of this variant in disease. Therefore, it has been classified as a Variant of Uncertain Significance.